The following is an entry in ClinVar:

NM_021008.4(DEAF1):c.117G>T (p.Glu39Asp)

Gene: DEAF1 (DEAF1 transcription factor; minus strand). Cytogenetic location: 11p15.5.
Variant type: single nucleotide variant.
Coding change: c.117G>T on transcript NM_021008.4 (MANE Select); coding-DNA position 117, G replaced by T.
Protein change: p.Glu39Asp; replaces glutamic acid 39 with aspartic acid.
Molecular consequence: missense variant. On other transcripts: intron variant (1).
Genome position (GRCh38, 1-based): chr11:694,931, C>A on the plus strand (G>T on the coding strand, the complement: DEAF1 is on the minus strand). VCF-style: chr11-694931-C-A. GRCh37 (hg19) VCF-style: chr11-694931-C-A.
Other names: c.117G>T, p.Glu39Asp (NM_001293634.2); c.-437-3333G>T (NM_001367390.1); short protein forms E39D.
Identifiers: ClinVar variation 2902686 (VCV002902686.3), dbSNP rs747455152, ClinGen allele CA216910844.

ClinVar aggregate classification (germline): Uncertain significance (1 of 4 stars; one submission).

Allele frequency attached by ClinVar (database versions not stated): TOPMed below 0.00001.

Submission:

Labcorp Genetics (formerly Invitae), Labcorp
Classification: Uncertain significance. Last evaluated: 2023-09-10. Review status: criteria provided, single submitter. Criteria: Invitae Variant Classification Sherloc (09022015). Collection method: clinical testing. Allele origin: germline.
Comment: This sequence change replaces glutamic acid, which is acidic and polar, with aspartic acid, which is acidic and polar, at codon 39 of the DEAF1 protein (p.Glu39Asp). This variant is not present in population databases (gnomAD no frequency). This variant has not been reported in the literature in individuals affected with DEAF1-related conditions. Advanced modeling of protein sequence and biophysical properties (such as structural, functional, and spatial information, amino acid conservation, physicochemical variation, residue mobility, and thermodynamic stability) performed at Invitae indicates that this missense variant is not expected to disrupt DEAF1 protein function. In summary, the available evidence is currently insufficient to determine the role of this variant in disease. Therefore, it has been classified as a Variant of Uncertain Significance.